The following is an entry in ClinVar:

NM_024408.4(NOTCH2):c.3443A>C (p.Glu1148Ala)

Gene: NOTCH2 (notch receptor 2; minus strand). Cytogenetic location: 1p12.
Variant type: single nucleotide variant.
Coding change: c.3443A>C on transcript NM_024408.4 (MANE Select); coding-DNA position 3443, A replaced by C.
Protein change: p.Glu1148Ala; replaces glutamic acid 1148 with alanine.
Molecular consequence: missense variant.
Genome position (GRCh38, 1-based): chr1:119,937,361, T>G on the plus strand (A>C on the coding strand, the complement: NOTCH2 is on the minus strand). VCF-style: chr1-119937361-T-G. GRCh37 (hg19) VCF-style: chr1-120479984-T-G.
Other names: c.3443A>C, p.Glu1148Ala (NM_001200001.2); short protein forms E1148A.
Identifiers: ClinVar variation 3372776 (VCV003372776.2).

ClinVar aggregate classification (germline): Uncertain significance (1 of 4 stars; one submission).

Submission:

GeneDx
Classification: Uncertain significance. Last evaluated: 2026-09-10. Review status: criteria provided, single submitter. Criteria: GeneDx Variant Classification Process June 2021. Collection method: clinical testing. Allele origin: germline.
Comment: Not observed at significant frequency in large population cohorts (gnomAD); In silico analysis supports that this missense variant has a deleterious effect on protein structure/function; Has not been previously published as pathogenic or benign to our knowledge